The following is an entry in ClinVar:

ClinVar aggregate classification (germline): Uncertain significance (1 of 4 stars; one submission).

Conditions:
NRP1-related disorder. Also called: NRP1-related condition.

Submission:

PreventionGenetics, part of Exact Sciences
Classification: Uncertain significance for NRP1-related condition. Last evaluated: 2026-05-27. Review status: criteria provided, single submitter. Criteria: ACMG Guidelines, 2015. Collection method: clinical testing. Allele origin: germline.
Comment: The NRP1 c.2621T>A variant is predicted to result in the amino acid substitution p.Val874Asp. To our knowledge, this variant has not been reported in the literature or in a large population database (gnomAD), indicating this variant is rare. At this time, the clinical significance of this variant is uncertain due to the absence of conclusive functional and genetic evidence.

NM_003873.7(NRP1):c.2621T>A (p.Val874Asp)

Gene: NRP1 (neuropilin 1; minus strand). Cytogenetic location: 10p11.22.
Variant type: single nucleotide variant.
Coding change: c.2621T>A on transcript NM_003873.7 (MANE Select); coding-DNA position 2621, T replaced by A.
Protein change: p.Val874Asp; replaces valine 874 with aspartic acid.
Molecular consequence: missense variant. On other transcripts: non-coding transcript variant (1).
Genome position (GRCh38, 1-based): chr10:33,180,227, A>T on the plus strand (T>A on the coding strand, the complement: NRP1 is on the minus strand). VCF-style: chr10-33180227-A-T. GRCh37 (hg19) VCF-style: chr10-33469155-A-T.
Other names: c.2603T>A, p.Val868Asp (NM_001244972.2); c.2600T>A, p.Val867Asp (NM_001244973.2); c.2570T>A, p.Val857Asp (NM_001330068.2); short protein forms V867D, V857D, V868D, V874D.
Identifiers: ClinVar variation 4991351 (VCV004991351.1).